The following is an entry in ClinVar:

NM_014806.5(RUSC2):c.4164C>G (p.His1388Gln)

Gene: RUSC2 (RUN and SH3 domain containing 2; plus strand). Cytogenetic location: 9p13.3.
Variant type: single nucleotide variant.
Coding change: c.4164C>G on transcript NM_014806.5 (MANE Select); coding-DNA position 4164, C replaced by G.
Protein change: p.His1388Gln; replaces histidine 1388 with glutamine.
Molecular consequence: missense variant. On other transcripts: non-coding transcript variant (1).
Genome position (GRCh38, 1-based): chr9:35,560,804, C>G. VCF-style: chr9-35560804-C-G. GRCh37 (hg19) VCF-style: chr9-35560801-C-G.
Other names: c.4164C>G, p.His1388Gln (NM_001135999.2); c.1530C>G, p.His510Gln (NM_001330740.2); short protein forms H510Q, H1388Q.
Identifiers: ClinVar variation 2090206 (VCV002090206.4), dbSNP rs368436087, ClinGen allele CA373356756.

ClinVar aggregate classification (germline): Uncertain significance (1 of 4 stars; one submission).

Submission:

Labcorp Genetics (formerly Invitae), Labcorp
Classification: Uncertain significance. Last evaluated: 2022-08-23. Review status: criteria provided, single submitter. Criteria: Invitae Variant Classification Sherloc (09022015). Collection method: clinical testing. Allele origin: germline.
Comment: This sequence change replaces histidine, which is basic and polar, with glutamine, which is neutral and polar, at codon 1388 of the RUSC2 protein (p.His1388Gln). This variant is not present in population databases (gnomAD no frequency). This variant has not been reported in the literature in individuals affected with RUSC2-related conditions. Algorithms developed to predict the effect of missense changes on protein structure and function are either unavailable or do not agree on the potential impact of this missense change (SIFT: "Tolerated"; PolyPhen-2: "Probably Damaging"; Align-GVGD: "Class C0"). In summary, the available evidence is currently insufficient to determine the role of this variant in disease. Therefore, it has been classified as a Variant of Uncertain Significance.